The following is an entry in ClinVar:

ClinVar aggregate classification (germline): Uncertain significance (1 of 4 stars; one submission).

gnomAD v4.1: 4 of 1,614,120 alleles (0.00025%); highest among the groups gnomAD compares: Non-Finnish European, 0.00034%; no homozygotes.

Submission:

Labcorp Genetics (formerly Invitae), Labcorp
Classification: Uncertain significance. Last evaluated: 2024-09-23. Review status: criteria provided, single submitter. Criteria: Invitae Variant Classification Sherloc (09022015). Collection method: clinical testing. Allele origin: germline.
Comment: This sequence change replaces leucine, which is neutral and non-polar, with phenylalanine, which is neutral and non-polar, at codon 45 of the FGF9 protein (p.Leu45Phe). This variant is present in population databases (no rsID available, gnomAD 0.002%). This variant has not been reported in the literature in individuals affected with FGF9-related conditions. An algorithm developed to predict the effect of missense changes on protein structure and function (PolyPhen-2) suggests that this variant is likely to be tolerated. In summary, the available evidence is currently insufficient to determine the role of this variant in disease. Therefore, it has been classified as a Variant of Uncertain Significance.

NM_002010.3(FGF9):c.133C>T (p.Leu45Phe)

Gene: FGF9 (fibroblast growth factor 9; plus strand). Cytogenetic location: 13q12.11.
Variant type: single nucleotide variant.
Coding change: c.133C>T on transcript NM_002010.3 (MANE Select); coding-DNA position 133, C replaced by T.
Protein change: p.Leu45Phe; replaces leucine 45 with phenylalanine.
Molecular consequence: missense variant.
Genome position (GRCh38, 1-based): chr13:21,672,045, C>T. VCF-style: chr13-21672045-C-T. GRCh37 (hg19) VCF-style: chr13-22246184-C-T.
Other names: short protein forms L45F.
Identifiers: ClinVar variation 3666359 (VCV003666359.2).